The following is an entry in ClinVar:

ClinVar aggregate classification (germline): Uncertain significance. Review status: criteria provided, multiple submitters, no conflicts (2 of 4 stars). 2 submissions from 2 submitters: Uncertain significance (2). Last evaluated 2024-03-29.

Conditions:
Dilated cardiomyopathy 1G (CMD1G). Identifiers: Orphanet 154, MedGen C1858763, MONDO:0011400, OMIM 604145.
Autosomal recessive limb-girdle muscular dystrophy type 2J (LGMDR10). Also called: MUSCULAR DYSTROPHY, LIMB-GIRDLE, AUTOSOMAL RECESSIVE 10; Limb-girdle muscular dystrophy, type 2J. Identifiers: Orphanet 140922, MedGen C1837342, MONDO:0012127, OMIM 608807.

gnomAD v4.1: 1 of 1,612,964 alleles (0.000062%); highest among the groups gnomAD compares: Non-Finnish European, 0.000085%; no homozygotes.

Submissions (2):

Athena Diagnostics
Classification: Uncertain significance. Last evaluated: 2024-03-29. Review status: criteria provided, single submitter. Criteria: Athena Diagnostics Criteria. Collection method: clinical testing. Allele origin: unknown.
Comment: Available data are insufficient to determine the clinical significance of the variant at this time. This variant has not been reported in large, multi-ethnic general populations. Computational tools disagree on the variant's effect on normal protein function.

Labcorp Genetics (formerly Invitae), Labcorp
Classification: Uncertain significance for Dilated cardiomyopathy 1G; Autosomal recessive limb-girdle muscular dystrophy type 2J. Last evaluated: 2021-08-28. Review status: criteria provided, single submitter. Criteria: Invitae Variant Classification Sherloc (09022015). Collection method: clinical testing. Allele origin: germline.

Literature cited by the submitters: PubMed 31983221 (cited by Athena Diagnostics).

NM_001267550.2(TTN):c.55485T>G (p.Ser18495Arg)

Genes: TTN-AS1 (TTN antisense RNA 1; plus strand), TTN (titin; minus strand). Cytogenetic location: 2q31.2.
Variant type: single nucleotide variant.
Coding change: c.55485T>G on transcript NM_001267550.2 (MANE Select); coding-DNA position 55485, T replaced by G.
Protein change: p.Ser18495Arg; replaces serine 18495 with arginine.
Molecular consequence: missense variant.
Genome position (GRCh38, 1-based): chr2:178,601,512, A>C on the plus strand (T>G on the coding strand, the complement: TTN is on the minus strand). VCF-style: chr2-178601512-A-C. GRCh37 (hg19) VCF-style: chr2-179466239-A-C.
Other names: c.50562T>G, p.Ser16854Arg (NM_001256850.1); c.55485T>G (NM_001267550.1); c.28290T>G, p.Ser9430Arg (NM_003319.4); c.47781T>G, p.Ser15927Arg (NM_133378.4); c.28665T>G, p.Ser9555Arg (NM_133432.3); c.28866T>G, p.Ser9622Arg (NM_133437.4); short protein forms S18495R, S9555R, S15927R, S9430R, S16854R, S9622R.
Identifiers: ClinVar variation 568937 (VCV000568937.5), dbSNP rs1213190093, ClinGen allele CA349540932.